The following is an entry in ClinVar:

NM_000051.4(ATM):c.2922-1G>C

Gene: ATM (ATM serine/threonine kinase; plus strand). Cytogenetic location: 11q22.3.
Variant type: single nucleotide variant.
Coding change: c.2922-1G>C on transcript NM_000051.4 (MANE Select); the canonical splice acceptor site of the intron before coding-DNA position 2922, G replaced by C.
Molecular consequence: splice acceptor variant.
Genome position (GRCh38, 1-based): chr11:108,271,250, G>C. VCF-style: chr11-108271250-G-C. GRCh37 (hg19) VCF-style: chr11-108141977-G-C.
Other names: c.2922-1G>C (NM_001351834.2).
Identifiers: ClinVar variation 3148362 (VCV003148362.2), dbSNP rs1555084931, ClinGen allele CA382547062.
Genomic context (GRCh38, chr11:108,271,250, plus strand): 5'-AAATAACTGATGTGTTCTGTTAAGCTTATAAAGTTGAACTTTTTTTTTTTTTTTACCACA[G>C]CAATGTGTGTTCTTTGTATCGTCGTGACCAAGATGTTTGTAAAACTATTTTAAACCATGT-3'

ClinVar aggregate classification (germline): Pathogenic (1 of 4 stars; one submission).

Conditions:
Familial cancer of breast. Also called: Hereditary breast cancer; BREAST CANCER, FAMILIAL; hereditary breast carcinoma. Identifiers: Orphanet 227535, MedGen C0346153, MONDO:0016419, OMIM 114480. Disease mechanism: loss of function.

Submission:

Myriad Genetics, Inc.
Classification: Pathogenic for Familial cancer of breast. Last evaluated: 2026-04-28. Review status: criteria provided, single submitter. Criteria: Myriad Autosomal Dominant, Autosomal Recessive and X-Linked Classification Criteria (2023). Collection method: clinical testing. Allele origin: unknown.
Comment: This variant is considered pathogenic. This variant occurs within a consensus splice junction and is predicted to result in abnormal mRNA splicing of either an out-of-frame exon or an in-frame exon necessary for protein stability and/or normal function. This variant has been reported in multiple individuals with clinical features of gene-specific disease [PMID: 21665257, 16864838, 14695534, 21893220]. mRNA analysis has demonstrated abnormal mRNA splicing occurs [PMID: 40225916, 41596415]. Functional studies indicate this variant impacts protein function [PMID: 16864838, 14695534].

Literature cited by the submitters: PubMed 21665257; PubMed 16864838; PubMed 14695534; PubMed 21893220; PubMed 40225916; PubMed 41596415.